The following is an entry in ClinVar:

ClinVar aggregate classification (germline): Uncertain significance (1 of 4 stars; one submission).

Conditions:
Capillary malformation-arteriovenous malformation 1 (CMAVM1). Identifiers: Orphanet 137667, Orphanet 693907, MedGen C4747394, MONDO:0020783, OMIM 608354.

Submission:

Clinical Genomics Laboratory, Washington University in St. Louis
Classification: Uncertain significance for Capillary malformation-arteriovenous malformation 1. Last evaluated: 2024-02-06. Review status: criteria provided, single submitter. Criteria: ACMG Guidelines, 2015. Collection method: clinical testing. Allele origin: germline.
Comment: The RASA1 c.2318T>C (p.Leu773Pro) variant was identified at a near heterozygous allele fraction of 49%, a frequency which may be consistent with it being of germline origin. This variant, to our knowledge, has not been reported in the medical literature. The RASA1 c.2318T>C (p.Leu773Pro) variant is absent from the general population (gnomAD v4.0.0), indicating it is not a common variant. Computational predictors indicate that the variant is damaging, evidence that correlates with impact to RASA1 function. Due to limited information, and based on ACMG/AMP guidelines for variant interpretation (Richards S et al., PMID: 25741868), the clinical significance of the RASA1 c.2318T>C (p.Leu773Pro) variant is uncertain at this time.

NM_002890.3(RASA1):c.2318T>C (p.Leu773Pro)

Genes: CCNH (cyclin H; minus strand), RASA1 (RAS p21 protein activator 1; plus strand). Cytogenetic location: 5q14.3.
Variant type: single nucleotide variant.
Coding change: c.2318T>C on transcript NM_002890.3 (MANE Select); coding-DNA position 2318, T replaced by C.
Protein change: p.Leu773Pro; replaces leucine 773 with proline.
Molecular consequence: missense variant. On other transcripts: intron variant (1).
Genome position (GRCh38, 1-based): chr5:87,377,014, T>C. VCF-style: chr5-87377014-T-C. GRCh37 (hg19) VCF-style: chr5-86672831-T-C.
Other names: c.1787T>C, p.Leu596Pro (NM_022650.3); c.933+18030A>G (NM_001364075.2); short protein forms L596P, L773P.
Identifiers: ClinVar variation 3237444 (VCV003237444.1), dbSNP rs2531350141.